The following is an entry in ClinVar:

ClinVar aggregate classification (germline): Pathogenic (1 of 4 stars; one submission).

Conditions:
Metachromatic leukodystrophy (MLD). Also called: METACHROMATIC LEUKOENCEPHALOPATHY; ARSA DEFICIENCY; CEREBROSIDE SULFATASE DEFICIENCY; Arylsulfatase A Deficiency; SULFATIDE LIPIDOSIS; Cerebral sclerosis diffuse metachromatic form. Identifiers: Orphanet 512, MedGen C0023522, MONDO:0018868, OMIM 250100.

Submission:

Labcorp Genetics (formerly Invitae), Labcorp
Classification: Pathogenic for Metachromatic leukodystrophy. Last evaluated: 2022-02-22. Review status: criteria provided, single submitter. Criteria: Invitae Variant Classification Sherloc (09022015). Collection method: clinical testing. Allele origin: germline.
Comment: For these reasons, this variant has been classified as Pathogenic. This variant disrupts a region of the ARSA protein in which other variant(s) (p.Gly156Asp) have been determined to be pathogenic (PMID: 7981715, 31922587). This suggests that this is a clinically significant region of the protein, and that variants that disrupt it are likely to be disease-causing. Algorithms developed to predict the effect of sequence changes on RNA splicing suggest that this variant may disrupt the consensus splice site. This variant has not been reported in the literature in individuals affected with ARSA-related conditions. This variant is not present in population databases (gnomAD no frequency). This variant results in the deletion of part of exon 3 of the ARSA gene. It is expected to disrupt RNA splicing. Variants that disrupt the donor or acceptor splice site typically lead to a loss of protein function (PMID: 16199547), and loss-of-function variants in ARSA are known to be pathogenic (PMID: 8962139, 10477432).

Literature cited by the submitters: PubMed 7981715; PubMed 31922587; PubMed 16199547; PubMed 8962139; PubMed 10477432.

NM_000487.6(ARSA):c.466-4_482del

Gene: ARSA (arylsulfatase A; minus strand). Cytogenetic location: 22q13.33.
Variant type: Deletion.
Coding change: c.466-4_482del on transcript NM_000487.6 (MANE Select); 4 bases into the intron before coding-DNA position 466 through coding-DNA position 482, 21 bases deleted (TCAGGGCCCCTGCCAGAACCT).
Molecular consequence: splice acceptor variant.
Genome position (GRCh38, 1-based): chr22:50,627,036-50,627,056, AGGTTCTGGCAGGGGCCCTGA deleted on the plus strand (TCAGGGCCCCTGCCAGAACCT on the coding strand, the reverse complement: ARSA is on the minus strand). VCF-style (leftmost placement, unchanged base first): chr22-50627035-CAGGTTCTGGCAGGGGCCCTGA-C. GRCh37 (hg19) VCF-style: chr22-51065463-CAGGTTCTGGCAGGGGCCCTGA-C.
Other names: c.466-4_482del (NM_001085427.3, NM_001085426.3, NM_001085425.3); c.208-4_224del (NM_001085428.3, NM_001362782.2).
Identifiers: ClinVar variation 2101566 (VCV002101566.4), dbSNP rs2518332484, ClinGen allele CA2580099982.